The following is an entry in ClinVar:

ClinVar aggregate classification (germline): Benign. Review status: criteria provided, multiple submitters, no conflicts (2 of 4 stars). 3 submissions from 3 submitters: Benign (2). 1 of the submissions does not count toward it. Last evaluated 2019-12-31.

Conditions:
NLRP2-related disorder. Also called: NLRP2-related condition.

Allele frequency attached by ClinVar (database versions not stated): gnomAD exomes 0.00041 and 0.00103; ExAC 0.00118; gnomAD 0.00399 and 0.00419; ESP Exome Variant Server 0.00400; TOPMed 0.00453; 1000 Genomes Project 0.00539; 1000 Genomes Project 30x 0.00562.

Submissions (3):

Labcorp Genetics (formerly Invitae), Labcorp
Classification: Benign. Last evaluated: 2019-12-31. Review status: criteria provided, single submitter. Criteria: Invitae Variant Classification Sherloc (09022015). Collection method: clinical testing. Allele origin: germline.

Breakthrough Genomics
Classification: Benign. Review status: criteria provided, single submitter. Criteria: ACMG Guidelines, 2015. Collection method: not provided. Allele origin: germline. Inheritance: Unknown mechanism. Affected: yes.

PreventionGenetics, part of Exact Sciences
Classification: Benign for NLRP2-related condition. Last evaluated: 2019-02-18. Review status: no assertion criteria provided. Collection method: clinical testing. Allele origin: germline. Not counted in ClinVar's aggregate classification.
Comment: This variant is classified as benign based on ACMG/AMP sequence variant interpretation guidelines (Richards et al. 2015 PMID: 25741868, with internal and published modifications).

NM_017852.5(NLRP2):c.2802G>A (p.Leu934=)

Gene: NLRP2 (NLR family pyrin domain containing 2; plus strand). Cytogenetic location: 19q13.42.
Variant type: single nucleotide variant.
Coding change: c.2802G>A on transcript NM_017852.5 (MANE Select); coding-DNA position 2802, G replaced by A.
Protein change: p.Leu934=; no amino-acid change (leucine 934 retained).
Molecular consequence: synonymous variant. On other transcripts: non-coding transcript variant (1).
Genome position (GRCh38, 1-based): chr19:54,994,362, G>A. VCF-style: chr19-54994362-G-A. GRCh37 (hg19) VCF-style: chr19-55505730-G-A.
Other names: c.2802G>A, p.Leu934= (NM_001174081.3); c.2736G>A, p.Leu912= (NM_001174082.3); c.2733G>A, p.Leu911= (NM_001174083.2); c.2793G>A, p.Leu931= (NM_001348003.2); c.2802G>A (NM_001174081.2).
Identifiers: ClinVar variation 790765 (VCV000790765.7), dbSNP rs10401517, ClinGen allele CA310113733.